The following is an entry in ClinVar:

ClinVar aggregate classification (germline): Uncertain significance (1 of 4 stars; one submission).

Conditions:
Hypertrophic cardiomyopathy. Also called: HYPERTROPHIC MYOCARDIOPATHY. Identifiers: Orphanet 217569, MedGen C0007194, MeSH D002312, MONDO:0005045, HP:0001639.

Submission:

All of Us Research Program, National Institutes of Health
Classification: Uncertain significance for Hypertrophic cardiomyopathy. Last evaluated: 2023-08-23. Review status: criteria provided, single submitter. Criteria: ACMG Guidelines, 2015. Collection method: clinical testing. Allele origin: germline. Inheritance: Autosomal dominant inheritance. Observed: 1 variant allele, 1 heterozygote.
Comment: This missense variant replaces valine with isoleucine at codon 573 of the MYBPC3 protein. Computational prediction suggests that this variant may not impact protein structure and function (internally defined REVEL score threshold <= 0.5, PMID: 27666373). To our knowledge, functional studies have not been reported for this variant. This variant has not been reported in individuals affected with MYBPC3-related disorders in the literature. This variant has not been identified in the general population by the Genome Aggregation Database (gnomAD). The available evidence is insufficient to determine the role of this variant in disease conclusively. Therefore, this variant is classified as a Variant of Uncertain Significance.

This study involves interpretation of variants in research participants for the purpose of population health screening. Participant phenotype was not available at the time of variant classification. Additional details can be found in publication PMID: 35346344, PMCID: PMC8962531

NM_000256.3(MYBPC3):c.1717G>A (p.Val573Ile)

Gene: MYBPC3 (myosin binding protein C3; minus strand). Cytogenetic location: 11p11.2.
Variant type: single nucleotide variant.
Coding change: c.1717G>A on transcript NM_000256.3 (MANE Select); coding-DNA position 1717, G replaced by A.
Protein change: p.Val573Ile; replaces valine 573 with isoleucine.
Molecular consequence: missense variant.
Genome position (GRCh38, 1-based): chr11:47,342,064, C>T on the plus strand (G>A on the coding strand, the complement: MYBPC3 is on the minus strand). VCF-style: chr11-47342064-C-T. GRCh37 (hg19) VCF-style: chr11-47363615-C-T.
Other names: short protein forms V573I.
Identifiers: ClinVar variation 3073058 (VCV003073058.1), dbSNP rs2495761278, ClinGen allele CA380324303.